The following is an entry in ClinVar:

NM_000553.6(WRN):c.2717G>A (p.Ser906Asn)

Gene: WRN (WRN RecQ like helicase; plus strand). Cytogenetic location: 8p12.
Variant type: single nucleotide variant.
Coding change: c.2717G>A on transcript NM_000553.6 (MANE Select); coding-DNA position 2717, G replaced by A.
Protein change: p.Ser906Asn; replaces serine 906 with asparagine.
Molecular consequence: missense variant.
Genome position (GRCh38, 1-based): chr8:31,124,608, G>A. VCF-style: chr8-31124608-G-A. GRCh37 (hg19) VCF-style: chr8-30982124-G-A.
Other names: short protein forms S906N.
Identifiers: ClinVar variation 1720895 (VCV001720895.5), dbSNP rs2535995059, ClinGen allele CA370917072.
Genomic context (GRCh38, chr8:31,124,608, plus strand): 5'-AGAAGTTTCGATTATACAAATTAAAGATGATGGCAAAGATGGAAAAATATCTTCATTCTA[G>A]CAGATGTAGGAGACAGTATGTATTATTTATTTTATGCCAATAGTATGGATTTATGGATGA-3'
Protein context (NP_000544.2, residues 896-916): MAKMEKYLHS[Ser906Asn]RCRRQIILSH

ClinVar aggregate classification (germline): Uncertain significance (1 of 4 stars; one submission).

Conditions:
Werner syndrome (WRN). Identifiers: Orphanet 902, MedGen C0043119, MONDO:0010196, OMIM 277700.

Submission:

Labcorp Genetics (formerly Invitae), Labcorp
Classification: Uncertain significance for Werner syndrome. Last evaluated: 2022-10-03. Review status: criteria provided, single submitter. Criteria: Invitae Variant Classification Sherloc (09022015). Collection method: clinical testing. Allele origin: germline.
Comment: This sequence change replaces serine, which is neutral and polar, with asparagine, which is neutral and polar, at codon 906 of the WRN protein (p.Ser906Asn). In summary, the available evidence is currently insufficient to determine the role of this variant in disease. Therefore, it has been classified as a Variant of Uncertain Significance. Algorithms developed to predict the effect of missense changes on protein structure and function output the following: SIFT: "Not Available"; PolyPhen-2: "Benign"; Align-GVGD: "Not Available". The asparagine amino acid residue is found in multiple mammalian species, which suggests that this missense change does not adversely affect protein function. This variant has not been reported in the literature in individuals affected with WRN-related conditions. This variant is not present in population databases (gnomAD no frequency).